The following is an entry in ClinVar:

NM_005591.4(MRE11):c.806C>G (p.Ser269Ter)

Gene: MRE11 (MRE11 double strand break repair nuclease; minus strand). Cytogenetic location: 11q21.
Variant type: single nucleotide variant.
Coding change: c.806C>G on transcript NM_005591.4 (MANE Select); coding-DNA position 806, C replaced by G.
Protein change: p.Ser269Ter; replaces serine 269 with a stop codon.
Molecular consequence: nonsense.
Genome position (GRCh38, 1-based): chr11:94,471,613, G>C on the plus strand (C>G on the coding strand, the complement: MRE11 is on the minus strand). VCF-style: chr11-94471613-G-C. GRCh37 (hg19) VCF-style: chr11-94204779-G-C.
Other names: c.806C>G, p.Ser269Ter (NM_001330347.2, NM_005590.4); short protein forms S269*.
Identifiers: ClinVar variation 233262 (VCV000233262.9), dbSNP rs776912688, ClinGen allele CA10579397.

ClinVar aggregate classification (germline): Pathogenic/Likely pathogenic. Review status: criteria provided, multiple submitters, no conflicts (2 of 4 stars). 3 submissions from 3 submitters: Pathogenic (2); Likely pathogenic (1). Last evaluated 2024-04-02.

Conditions:
Ataxia-telangiectasia-like disorder 1 (ATLD1). Identifiers: Orphanet 251347, MedGen C4012790, MONDO:0024557, OMIM 604391.
Hereditary cancer-predisposing syndrome. Also called: Neoplastic Syndromes, Hereditary; Hereditary Cancer Syndrome; Tumor predisposition; Hereditary neoplastic syndrome. Identifiers: Orphanet 140162, MedGen C0027672, MeSH D009386, MONDO:0015356.
Ataxia-telangiectasia-like disorder (ATLD). Identifiers: MedGen C1858391, MONDO:0011457.

Allele frequency attached by ClinVar (database versions not stated): gnomAD exomes below 0.00001.
gnomAD v4.1: 1 of 1,612,646 alleles (0.000062%); highest among the groups gnomAD compares: Non-Finnish European, 0.000085%; no homozygotes.

Submissions (3):

Labcorp Genetics (formerly Invitae), Labcorp
Classification: Pathogenic for Ataxia-telangiectasia-like disorder. Last evaluated: 2024-04-02. Review status: criteria provided, single submitter. Criteria: Invitae Variant Classification Sherloc (09022015). Collection method: clinical testing. Allele origin: germline.
Comment: This sequence change creates a premature translational stop signal (p.Ser269*) in the MRE11 gene. It is expected to result in an absent or disrupted protein product. Loss-of-function variants in MRE11 are known to be pathogenic (PMID: 23080121, 23912341). This variant is not present in population databases (gnomAD no frequency). This premature translational stop signal has been observed in individual(s) with ovarian cancer (PMID: 28888541). ClinVar contains an entry for this variant (Variation ID: 233262). For these reasons, this variant has been classified as Pathogenic.

Ambry Genetics
Classification: Pathogenic for Hereditary cancer-predisposing syndrome. Last evaluated: 2022-01-04. Review status: criteria provided, single submitter. Criteria: Ambry Variant Classification Scheme 2023. Collection method: clinical testing. Allele origin: germline.
Comment: The p.S269* pathogenic mutation (also known as c.806C>G), located in coding exon 7 of the MRE11A gene, results from a C to G substitution at nucleotide position 806. This changes the amino acid from a serine to a stop codon within coding exon 7. This variant is considered to be rare based on population cohorts in the Genome Aggregation Database (gnomAD). This alteration is expected to result in loss of function by premature protein truncation or nonsense-mediated mRNA decay. As such, this alteration is interpreted as a disease-causing mutation.

Genesis Genomics
Classification: Likely pathogenic for Ataxia-telangiectasia-like disorder 1. Review status: criteria provided, single submitter. Criteria: ACMG Guidelines, 2015. Collection method: clinical testing. Allele origin: germline. Affected: yes. Observed: 1 variant allele.

Literature cited by the submitters: PubMed 23080121 (cited by Labcorp Genetics (formerly Invitae), Labcorp); PubMed 23912341 (cited by Labcorp Genetics (formerly Invitae), Labcorp); PubMed 28888541 (cited by Labcorp Genetics (formerly Invitae), Labcorp).